The following is an entry in ClinVar:

NM_000273.3(GPR143):c.307T>G (p.Ser103Ala)

Gene: GPR143 (G protein-coupled receptor 143; minus strand). Cytogenetic location: Xp22.2.
Variant type: single nucleotide variant.
Coding change: c.307T>G on transcript NM_000273.3 (MANE Select); coding-DNA position 307, T replaced by G.
Protein change: p.Ser103Ala; replaces serine 103 with alanine.
Molecular consequence: missense variant.
Genome position (GRCh38, 1-based): chrX:9,760,770, A>C on the plus strand (T>G on the coding strand, the complement: GPR143 is on the minus strand). VCF-style: chrX-9760770-A-C. GRCh37 (hg19) VCF-style: chrX-9728810-A-C.
Other names: c.307T>G, p.Ser103Ala (NM_001440781.1); short protein forms S103A.
Identifiers: ClinVar variation 4686375 (VCV004686375.1).

ClinVar aggregate classification (germline): Uncertain significance (1 of 4 stars; one submission).

Submission:

GeneDx
Classification: Uncertain significance. Last evaluated: 2025-07-17. Review status: criteria provided, single submitter. Criteria: GeneDx Variant Classification Process June 2021. Collection method: clinical testing. Allele origin: germline. Affected: yes.
Comment: Not observed at significant frequency in large population cohorts (gnomAD); In silico analysis suggests that this missense variant does not alter protein structure/function; Has not been previously published as pathogenic or benign to our knowledge